The following is an entry in ClinVar:

NM_001363711.2(DUOX2):c.3751del (p.Leu1251fs)

Gene: DUOX2 (dual oxidase 2; minus strand). Cytogenetic location: 15q21.1.
Variant type: Deletion.
Coding change: c.3751del on transcript NM_001363711.2 (MANE Select); coding-DNA position 3751, one base deleted (C; older notation c.3751delC).
Protein change: p.Leu1251fs; shifts the reading frame from leucine 1251.
Molecular consequence: frameshift variant.
Genome position (GRCh38, 1-based): chr15:45,097,334, G deleted on the plus strand (C on the coding strand, the reverse complement: DUOX2 is on the minus strand); the first of 2 consecutive G bases (chr15:45,097,334-45,097,335); deleting either gives the same sequence. VCF-style (leftmost placement, unchanged base first): chr15-45097333-AG-A. GRCh37 (hg19) VCF-style: chr15-45389531-AG-A.
Other names: c.3751del (NM_014080.4); c.3751del, p.Leu1251fs (NM_014080.5); short protein forms L1251fs.
Identifiers: ClinVar variation 1452632 (VCV001452632.10), dbSNP rs1566971699, ClinGen allele CA618006586.

ClinVar aggregate classification (germline): Pathogenic/Likely pathogenic. Review status: criteria provided, multiple submitters, no conflicts (2 of 4 stars). 4 submissions from 4 submitters: Pathogenic (1); Likely pathogenic (3). Last evaluated 2026-01-11.

Conditions:
Thyroid dyshormonogenesis 6 (TDH6). Also called: HYPOTHYROIDISM, CONGENITAL, DUE TO DYSHORMONOGENESIS, 6; THYROID HORMONOGENESIS, GENETIC DEFECT IN, 6; Genetic transient congenital hypothyroidism. Identifiers: Orphanet 226316, Orphanet 95716, MedGen C1846632, MONDO:0011792, OMIM 607200.

Submissions (4):

Labcorp Genetics (formerly Invitae), Labcorp
Classification: Pathogenic. Last evaluated: 2026-01-11. Review status: criteria provided, single submitter. Criteria: Invitae Variant Classification Sherloc (09022015). Collection method: clinical testing. Allele origin: germline.
Comment: This sequence change creates a premature translational stop signal (p.Leu1251Trpfs*13) in the DUOX2 gene. It is expected to result in an absent or disrupted protein product. Loss-of-function variants in DUOX2 are known to be pathogenic (PMID: 12110737, 18765513, 21565790, 24423310, 24735383). This variant is present in population databases (no rsID available, gnomAD 0.002%). This variant has not been reported in the literature in individuals affected with DUOX2-related conditions. ClinVar contains an entry for this variant (Variation ID: 1452632). For these reasons, this variant has been classified as Pathogenic.

Dasa
Classification: Likely pathogenic. Last evaluated: 2025-06-09. Review status: criteria provided, single submitter. Criteria: DASA Assertion Criteria. Collection method: clinical testing. Allele origin: germline.
Comment: NM_001363711.2(DUOX2):c.3751del (p.Leu1251Trpfs*13) is a frameshift variant in DUOX2 predicted to alter the reading frame and introduce a premature termination codon and is predicted to result in an absent or altered protein product. Loss of function is an established disease mechanism for DUOX2-associated disorders. Also, this variant is rare in population databases. Based on the currently available evidence, this variant is classified as likely pathogenic.

Fulgent Genetics
Classification: Likely pathogenic for Thyroid dyshormonogenesis 6. Last evaluated: 2024-02-27. Review status: criteria provided, single submitter. Criteria: ACMG Guidelines, 2015. Collection method: clinical testing. Allele origin: germline.

AiLife Diagnostics
Classification: Likely pathogenic. Last evaluated: 2020-07-18. Review status: criteria provided, single submitter. Criteria: ACMG Guidelines, 2015. Collection method: clinical testing. Allele origin: germline. Affected: yes. Observed: 1 variant allele.

Literature cited by the submitters: PubMed 12110737 (cited by Labcorp Genetics (formerly Invitae), Labcorp); PubMed 18765513 (cited by Labcorp Genetics (formerly Invitae), Labcorp); PubMed 21565790 (cited by Labcorp Genetics (formerly Invitae), Labcorp); PubMed 24423310 (cited by Labcorp Genetics (formerly Invitae), Labcorp); PubMed 24735383 (cited by Labcorp Genetics (formerly Invitae), Labcorp).